The following is an entry in ClinVar:

NM_004944.4(DNASE1L3):c.155G>A (p.Cys52Tyr)

Gene: DNASE1L3 (deoxyribonuclease 1L3; minus strand). Cytogenetic location: 3p14.3.
Variant type: single nucleotide variant.
Coding change: c.155G>A on transcript NM_004944.4 (MANE Select); coding-DNA position 155, G replaced by A.
Protein change: p.Cys52Tyr; replaces cysteine 52 with tyrosine.
Molecular consequence: missense variant.
Genome position (GRCh38, 1-based): chr3:58,208,293, C>T on the plus strand (G>A on the coding strand, the complement: DNASE1L3 is on the minus strand). VCF-style: chr3-58208293-C-T. GRCh37 (hg19) VCF-style: chr3-58194020-C-T.
Other names: c.155G>A, p.Cys52Tyr (NM_001256560.2); short protein forms C52Y.
Identifiers: ClinVar variation 2893128 (VCV002893128.3), dbSNP rs750863656, ClinGen allele CA2470100.
Genomic context (GRCh38, chr3:58,208,293, plus strand): 5'-ATCAGTATGGGGCAGATCCTGTTGTTGCTGTCCTTGATTTCCATCACGAGTATGATGTCA[C>T]AGCGTTTGATGACCTGCAAGAAAGAGAATTCCCAGGGGTTTGAGGTCATTTACCACAGAT-3'
Protein context (NP_004935.1, residues 42-62): MDVIVKVIKR[Cys52Tyr]DIILVMEIKD

ClinVar aggregate classification (germline): Uncertain significance (1 of 4 stars; one submission).

Allele frequency attached by ClinVar (database versions not stated): gnomAD exomes below 0.00001; ExAC 0.00001.
gnomAD v4.1: 1 of 1,614,226 alleles (0.000062%); highest among the groups gnomAD compares: South Asian, 0.0011%; no homozygotes.

Submission:

Labcorp Genetics (formerly Invitae), Labcorp
Classification: Uncertain significance. Last evaluated: 2023-10-14. Review status: criteria provided, single submitter. Criteria: Invitae Variant Classification Sherloc (09022015). Collection method: clinical testing. Allele origin: germline.
Comment: This sequence change replaces cysteine, which is neutral and slightly polar, with tyrosine, which is neutral and polar, at codon 52 of the DNASE1L3 protein (p.Cys52Tyr). This variant is present in population databases (rs750863656, gnomAD 0.003%). This variant has not been reported in the literature in individuals affected with DNASE1L3-related conditions. An algorithm developed to predict the effect of missense changes on protein structure and function (PolyPhen-2) suggests that this variant is likely to be disruptive. In summary, the available evidence is currently insufficient to determine the role of this variant in disease. Therefore, it has been classified as a Variant of Uncertain Significance.